The following is an entry in ClinVar:

ClinVar aggregate classification (germline): Benign/Likely benign. Review status: criteria provided, multiple submitters, no conflicts (2 of 4 stars). 8 submissions from 7 submitters: Benign (6); Likely benign (1). 1 of the submissions does not count toward it. Last evaluated 2026-01-28.

Conditions:
Ehlers-Danlos syndrome, classic type, 1 (EDSCL1). Also called: EDS I; Ehlers-Danlos Syndrome, Classic Type, COL5A1-Related; Ehlers-Danlos syndrome, type 1; EHLERS-DANLOS SYNDROME, GRAVIS TYPE; EHLERS-DANLOS SYNDROME, SEVERE CLASSIC TYPE. Identifiers: MedGen C0268335, MONDO:0019567, OMIM 130000.
Fibromuscular dysplasia, multifocal. Identifiers: MedGen C5543412, MONDO:0859151, OMIM 619329.
COL5A1-related disorder. Also called: COL5A1-related condition.

Allele frequency attached by ClinVar (database versions not stated): ExAC 0.00048; gnomAD 0.00157 and 0.00174; 1000 Genomes Project 0.00160; ESP Exome Variant Server 0.00169; TOPMed 0.00181; 1000 Genomes Project 30x 0.00187.
gnomAD v4.1: 462 of 1,612,736 alleles (0.029%); highest among the groups gnomAD compares: African/African-American, 0.54%; 1 homozygote.

Submissions (8):

Labcorp Genetics (formerly Invitae), Labcorp
Classification: Benign for Ehlers-Danlos syndrome, classic type, 1. Last evaluated: 2026-01-28. Review status: criteria provided, single submitter. Criteria: Invitae Variant Classification Sherloc (09022015). Collection method: clinical testing. Allele origin: germline.

Blueprint Genetics
Classification: Likely benign. Last evaluated: 2024-11-05. Review status: criteria provided, single submitter. Criteria: ACMG Guidelines, 2015. Collection method: clinical testing. Allele origin: germline.

Women's Health and Genetics/Laboratory Corporation of America, LabCorp
Classification: Benign. Last evaluated: 2023-07-21. Review status: criteria provided, single submitter. Criteria: LabCorp Variant Classification Summary - May 2015. Collection method: clinical testing. Allele origin: germline.

Genome-Nilou Lab
Classification: Benign for Ehlers-Danlos syndrome, classic type, 1. Last evaluated: 2022-03-15. Review status: criteria provided, single submitter. Criteria: ACMG Guidelines, 2015. Collection method: clinical testing. Allele origin: germline. Affected: no.

Genome-Nilou Lab
Classification: Benign for Fibromuscular dysplasia, multifocal. Last evaluated: 2022-03-15. Review status: criteria provided, single submitter. Criteria: ACMG Guidelines, 2015. Collection method: clinical testing. Allele origin: germline. Affected: no.

GeneDx
Classification: Benign. Last evaluated: 2017-05-15. Review status: criteria provided, single submitter. Criteria: GeneDx Variant Classification (06012015). Collection method: clinical testing. Allele origin: germline. Affected: yes.
Comment: This variant is considered likely benign or benign based on one or more of the following criteria: it is a conservative change, it occurs at a poorly conserved position in the protein, it is predicted to be benign by multiple in silico algorithms, and/or has population frequency not consistent with disease.

Eurofins Ntd Llc (ga)
Classification: Benign. Last evaluated: 2015-09-25. Review status: criteria provided, single submitter. Criteria: EGL Classification Definitions 2015. Collection method: clinical testing. Allele origin: germline. Observed: 1 variant allele, 1 heterozygote.

PreventionGenetics, part of Exact Sciences
Classification: Benign for COL5A1-related condition. Last evaluated: 2019-05-03. Review status: no assertion criteria provided. Collection method: clinical testing. Allele origin: germline. Not counted in ClinVar's aggregate classification.
Comment: This variant is classified as benign based on ACMG/AMP sequence variant interpretation guidelines (Richards et al. 2015 PMID: 25741868, with internal and published modifications).

NM_000093.5(COL5A1):c.277+6T>G

Gene: COL5A1 (collagen type V alpha 1 chain; plus strand). Cytogenetic location: 9q34.3.
Variant type: single nucleotide variant.
Coding change: c.277+6T>G on transcript NM_000093.5 (MANE Select); 6 bases into the intron after coding-DNA position 277, T replaced by G.
Molecular consequence: intron variant.
Genome position (GRCh38, 1-based): chr9:134,691,085, T>G. VCF-style: chr9-134691085-T-G. GRCh37 (hg19) VCF-style: chr9-137582931-T-G.
Other names: c.277+6T>G (NM_001278074.1).
Identifiers: ClinVar variation 283150 (VCV000283150.20), dbSNP rs201910803, ClinGen allele CA5318250.